The following is an entry in ClinVar:

NM_002137.4(HNRNPA2B1):c.853A>G (p.Ser285Gly)

Gene: HNRNPA2B1 (heterogeneous nuclear ribonucleoprotein A2/B1; minus strand). Cytogenetic location: 7p15.2.
Variant type: single nucleotide variant.
Coding change: c.853A>G on transcript NM_002137.4 (MANE Select); coding-DNA position 853, A replaced by G.
Protein change: p.Ser285Gly; replaces serine 285 with glycine.
Molecular consequence: missense variant.
Genome position (GRCh38, 1-based): chr7:26,193,362, T>C on the plus strand (A>G on the coding strand, the complement: HNRNPA2B1 is on the minus strand). VCF-style: chr7-26193362-T-C. GRCh37 (hg19) VCF-style: chr7-26232982-T-C.
Other names: c.889A>G, p.Ser297Gly (NM_031243.4); short protein forms S285G, S297G.
Identifiers: ClinVar variation 1478408 (VCV001478408.8), dbSNP rs2128109903, ClinGen allele CA367072566.
Genomic context (GRCh38, chr7:26,193,362, plus strand): 5'-TCATTGGACCGTAGTTAGAAGGTTGCTGGTTATAATTTCCAAAATCATTGTAATTTCCAC[T>C]TCCATAATTTCCTATTAAAAAATTGGAATACTCAGAACAATACAAACATTAAACCAAGGA-3'
Protein context (NP_002128.1, residues 275-295): YDNYGGGNYG[Ser285Gly]GNYNDFGNYN

ClinVar aggregate classification (germline): Uncertain significance (1 of 4 stars; one submission).

Conditions:
Inclusion body myopathy with early-onset Paget disease with or without frontotemporal dementia 2 (IBMPFD2). Also called: MULTISYSTEM PROTEINOPATHY 2. Identifiers: MedGen C3809468, MONDO:0014178, OMIM 615422.

Allele frequency attached by ClinVar (database versions not stated): gnomAD exomes below 0.00001.

Submission:

Labcorp Genetics (formerly Invitae), Labcorp
Classification: Uncertain significance for Inclusion body myopathy with early-onset Paget disease with or without frontotemporal dementia 2. Last evaluated: 2021-02-02. Review status: criteria provided, single submitter. Criteria: Invitae Variant Classification Sherloc (09022015). Collection method: clinical testing. Allele origin: germline.
Comment: In summary, the available evidence is currently insufficient to determine the role of this variant in disease. Therefore, it has been classified as a Variant of Uncertain Significance. Algorithms developed to predict the effect of missense changes on protein structure and function output the following: SIFT: "Tolerated"; PolyPhen-2: "Benign"; Align-GVGD: "Class C0". The glycine amino acid residue is found in multiple mammalian species, suggesting that this missense change does not adversely affect protein function. These predictions have not been confirmed by published functional studies and their clinical significance is uncertain. This variant has not been reported in the literature in individuals with HNRNPA2B1-related conditions. This variant is not present in population databases (ExAC no frequency). This sequence change replaces serine with glycine at codon 297 of the HNRNPA2B1 protein (p.Ser297Gly). The serine residue is highly conserved and there is a small physicochemical difference between serine and glycine.